The following is an entry in ClinVar:

ClinVar aggregate classification (germline): Uncertain significance. Review status: criteria provided, multiple submitters, no conflicts (2 of 4 stars). 4 submissions from 4 submitters: Uncertain significance (4). Last evaluated 2026-01-26.

Conditions:
Hereditary cancer-predisposing syndrome. Also called: Neoplastic Syndromes, Hereditary; Hereditary neoplastic syndrome; Tumor predisposition; Hereditary Cancer Syndrome. Identifiers: Orphanet 140162, MedGen C0027672, MeSH D009386, MONDO:0015356.
Ataxia-telangiectasia syndrome (AT). Also called: Ataxia telangiectasia (A-T); Cerebello-oculocutaneous telangiectasia; Immunodeficiency with ataxia telangiectasia; LOUIS-BAR SYNDROME; AT, COMPLEMENTATION GROUP C; ATAXIA-TELANGIECTASIA, FRESNO VARIANT. Identifiers: Orphanet 100, MedGen C0004135, MONDO:0008840, OMIM 208900.

Allele frequency attached by ClinVar (database versions not stated): TOPMed below 0.00001; gnomAD 0.00002.
gnomAD v4.1: 3 of 1,613,898 alleles (0.00019%); highest among the groups gnomAD compares: African/African-American, 0.004%; no homozygotes.

Submissions (4):

Labcorp Genetics (formerly Invitae), Labcorp
Classification: Uncertain significance for Ataxia-telangiectasia syndrome. Last evaluated: 2026-01-26. Review status: criteria provided, single submitter. Criteria: Invitae Variant Classification Sherloc (09022015). Collection method: clinical testing. Allele origin: germline.
Comment: This sequence change replaces glutamine, which is neutral and polar, with lysine, which is basic and polar, at codon 2414 of the ATM protein (p.Gln2414Lys). This variant is present in population databases (no rsID available, gnomAD 0.01%). This variant has not been reported in the literature in individuals affected with ATM-related conditions. ClinVar contains an entry for this variant (Variation ID: 246371). Invitae Evidence Modeling of protein sequence and biophysical properties (such as structural, functional, and spatial information, amino acid conservation, physicochemical variation, residue mobility, and thermodynamic stability) indicates that this missense variant is not expected to disrupt ATM protein function with a negative predictive value of 95%. In summary, the available evidence is currently insufficient to determine the role of this variant in disease. Therefore, it has been classified as a Variant of Uncertain Significance.

Women's Health and Genetics/Laboratory Corporation of America, LabCorp
Classification: Uncertain significance. Last evaluated: 2023-07-24. Review status: criteria provided, single submitter. Criteria: LabCorp Variant Classification Summary - May 2015. Collection method: clinical testing. Allele origin: germline.

Ambry Genetics
Classification: Uncertain significance for Hereditary cancer-predisposing syndrome. Last evaluated: 2022-05-25. Review status: criteria provided, single submitter. Criteria: Ambry Variant Classification Scheme 2023. Collection method: clinical testing. Allele origin: germline.

GeneDx
Classification: Uncertain significance. Last evaluated: 2016-03-14. Review status: criteria provided, single submitter. Criteria: GeneDx Variant Classification (06012015). Collection method: clinical testing. Allele origin: germline. Affected: yes.
Comment: This variant is denoted ATM c.7240C>A at the cDNA level, p.Gln2414Lys (Q2414K) at the protein level, and results in the change of a Glutamine to a Lysine (CAA>AAA). This variant has not, to our knowledge, been published in the literature as pathogenic or benign. ATM Gln2414Lys was not observed in approximately 6,500 individuals of European and African American ancestry in the NHLBI Exome Sequencing Project, suggesting it is not a common benign variant in these populations. Since Glutamine and Lysine differ in some properties, this is considered a semi-conservative amino acid substitution. ATM Gln2414Lys occurs at a position that is conserved in mammals and is located in the FAT domain (Tavtigian 2009, Stracker 2013). In silico analyses are inconsistent regarding the effect this variant may have on protein structure and function. Based on currently available evidence, it is unclear whether ATM Gln2414Lys is a pathogenic or benign variant. We consider it to be a variant of uncertain significance.

NM_000051.4(ATM):c.7240C>A (p.Gln2414Lys)

Genes: ATM (ATM serine/threonine kinase; plus strand), C11orf65 (chromosome 11 open reading frame 65; minus strand). Cytogenetic location: 11q22.3.
Variant type: single nucleotide variant.
Coding change: c.7240C>A on transcript NM_000051.4 (MANE Select); coding-DNA position 7240, C replaced by A.
Protein change: p.Gln2414Lys; replaces glutamine 2414 with lysine.
Molecular consequence: missense variant. On other transcripts: intron variant (2).
Genome position (GRCh38, 1-based): chr11:108,329,171, C>A. VCF-style: chr11-108329171-C-A. GRCh37 (hg19) VCF-style: chr11-108199898-C-A.
Other names: c.7240C>A, p.Gln2414Lys (NM_001351834.2); c.641-20100G>T (NM_001330368.2); c.*38+6049G>T (NM_001351110.2); short protein forms Q2414K.
Identifiers: ClinVar variation 246371 (VCV000246371.15), dbSNP rs863224462, ClinGen allele CA10584364.